The following is an entry in ClinVar:

NC_000014.8:g.(?_45618030)_(45646189_?)del

Gene: FANCM (FA complementation group M; plus strand). Cytogenetic location: 14q21.2.
Variant type: Deletion.
Identifiers: ClinVar variation 1425414 (VCV001425414.6).

ClinVar aggregate classification (germline): Pathogenic (1 of 4 stars; one submission).

Conditions:
Fanconi anemia (FA). Also called: Fanconi's anemia. Identifiers: Orphanet 84, MedGen C0015625, MeSH D005199, MONDO:0019391.

Submission:

Labcorp Genetics (formerly Invitae), Labcorp
Classification: Pathogenic for Fanconi anemia. Last evaluated: 2021-05-16. Review status: criteria provided, single submitter. Criteria: Invitae Variant Classification Sherloc (09022015). Collection method: clinical testing. Allele origin: germline.
Comment: For these reasons, this variant has been classified as Pathogenic. This variant has not been reported in the literature in individuals with FANCM-related conditions. This variant is a gross deletion of the genomic region encompassing exon(s) 4-14 of the FANCM gene. This deletion is out-of-frame, and is expected to create a premature translational stop signal and result in an absent or disrupted protein product. Loss-of-function variants in FANCM are known to be pathogenic (PMID: 29895858, 30075111).

Literature cited by the submitters: PubMed 29895858; PubMed 30075111.